The following is an entry in ClinVar:

NM_016343.4(CENPF):c.7362G>A (p.Val2454=)

Gene: CENPF (centromere protein F; plus strand). Cytogenetic location: 1q41.
Variant type: single nucleotide variant.
Coding change: c.7362G>A on transcript NM_016343.4 (MANE Select); coding-DNA position 7362, G replaced by A.
Protein change: p.Val2454=; no amino-acid change (valine 2454 retained).
Molecular consequence: synonymous variant.
Genome position (GRCh38, 1-based): chr1:214,646,932, G>A. VCF-style: chr1-214646932-G-A. GRCh37 (hg19) VCF-style: chr1-214820275-G-A.
Identifiers: ClinVar variation 3047806 (VCV003047806.2), dbSNP rs2528422164, ClinGen allele CA423429722.

ClinVar aggregate classification (germline): Likely benign (0 of 4 stars; one submission).

Conditions:
CENPF-related disorder. Also called: CENPF-related condition.

Submission:

PreventionGenetics, part of Exact Sciences
Classification: Likely benign for CENPF-related condition. Last evaluated: 2023-12-20. Review status: no assertion criteria provided. Collection method: clinical testing. Allele origin: germline.
Comment: This variant is classified as likely benign based on ACMG/AMP sequence variant interpretation guidelines (Richards et al. 2015 PMID: 25741868, with internal and published modifications).